The following is an entry in ClinVar:

ClinVar aggregate classification (germline): Uncertain significance (1 of 4 stars; one submission).

gnomAD v4.1: 2 of 1,614,162 alleles (0.00012%); highest among the groups gnomAD compares: South Asian, 0.0022%; no homozygotes.

Submission:

Ambry Genetics
Classification: Uncertain significance. Last evaluated: 2025-09-07. Review status: criteria provided, single submitter. Criteria: Ambry Variant Classification Scheme 2023. Collection method: clinical testing. Allele origin: germline.
Comment: The p.G351A variant (also known as c.1052G>C), located in coding exon 6 of the PKP4 gene, results from a G to C substitution at nucleotide position 1052. The glycine at codon 351 is replaced by alanine, an amino acid with similar properties. This amino acid position is conserved. In addition, the in silico prediction for this alteration is inconclusive. Based on the available evidence, the clinical significance of this variant remains unclear.

NM_003628.6(PKP4):c.1052G>C (p.Gly351Ala)

Gene: PKP4 (plakophilin 4; plus strand). Cytogenetic location: 2q24.1.
Variant type: single nucleotide variant.
Coding change: c.1052G>C on transcript NM_003628.6 (MANE Select); coding-DNA position 1052, G replaced by C.
Protein change: p.Gly351Ala; replaces glycine 351 with alanine.
Molecular consequence: missense variant.
Genome position (GRCh38, 1-based): chr2:158,625,326, G>C. VCF-style: chr2-158625326-G-C. GRCh37 (hg19) VCF-style: chr2-159481838-G-C.
Other names: c.1052G>C, p.Gly351Ala (NM_001377219.1, NM_001377220.1, NM_001377221.1 and 6 more transcripts); c.1046G>C, p.Gly349Ala (NM_001377222.1, NM_001377223.1, NM_001377224.1); c.26G>C, p.Gly9Ala (NM_001304970.3); short protein forms G9A, G349A, G351A.
Identifiers: ClinVar variation 4138166 (VCV004138166.1).
Genomic context (GRCh38, chr2:158,625,326, plus strand): 5'-GCCAGGTGGGGTCGTCGTCCCCCAAACGCTCAGGGATGACCGCCGTACCACAGCATCTGG[G>C]ACCTTCACTGCAAAGGACTGTTCATGACATGGAGCAATTCGGACAGCAGCAGTATGACAT-3'
Protein context (NP_003619.2, residues 341-361): SGMTAVPQHL[Gly351Ala]PSLQRTVHDM